The following is an entry in ClinVar:

NM_001040108.2(MLH3):c.1075G>C (p.Gly359Arg)

Gene: MLH3 (mutL homolog 3; minus strand). Cytogenetic location: 14q24.3.
Variant type: single nucleotide variant.
Coding change: c.1075G>C on transcript NM_001040108.2 (MANE Select); coding-DNA position 1075, G replaced by C.
Protein change: p.Gly359Arg; replaces glycine 359 with arginine.
Molecular consequence: missense variant.
Genome position (GRCh38, 1-based): chr14:75,048,581, C>G on the plus strand (G>C on the coding strand, the complement: MLH3 is on the minus strand). VCF-style: chr14-75048581-C-G. GRCh37 (hg19) VCF-style: chr14-75515284-C-G.
Other names: c.1075G>C, p.Gly359Arg (NM_014381.3); short protein forms G359R.
Identifiers: ClinVar variation 2561665 (VCV002561665.3), dbSNP rs769120072, ClinGen allele CA7275926.

ClinVar aggregate classification (germline): Uncertain significance (1 of 4 stars; one submission).

Allele frequency attached by ClinVar (database versions not stated): gnomAD exomes below 0.00001; ExAC 0.00001.
gnomAD v4.1: 2 of 1,613,924 alleles (0.00012%); highest among the groups gnomAD compares: Admixed American, 0.0033%; no homozygotes.

Submission:

Ambry Genetics
Classification: Uncertain significance. Last evaluated: 2025-03-29. Review status: criteria provided, single submitter. Criteria: Ambry Variant Classification Scheme 2023. Collection method: clinical testing. Allele origin: germline.
Comment: The p.G359R variant (also known as c.1075G>C), located in coding exon 1 of the MLH3 gene, results from a G to C substitution at nucleotide position 1075. The glycine at codon 359 is replaced by arginine, an amino acid with dissimilar properties. This amino acid position is conserved. In addition, this alteration is predicted to be tolerated by in silico analysis. Since supporting evidence is limited at this time, the clinical significance of this alteration remains unclear.